The following is an entry in ClinVar:

ClinVar aggregate classification (germline): Benign/Likely benign. Review status: criteria provided, multiple submitters, no conflicts (2 of 4 stars). 2 submissions from 2 submitters: Benign (1); Likely benign (1). Last evaluated 2024-07-16.

Conditions:
Hereditary cancer-predisposing syndrome. Also called: Neoplastic Syndromes, Hereditary; Tumor predisposition; Hereditary Cancer Syndrome; Hereditary neoplastic syndrome. Identifiers: Orphanet 140162, MedGen C0027672, MeSH D009386, MONDO:0015356.
BAP1-related tumor predisposition syndrome (TPDS1). Also called: Tumor susceptibility linked to germline BAP1 mutations; COMMON Syndrome; BAP1 tumor predisposition syndrome; TUMOR PREDISPOSITION SYNDROME 1. Identifiers: Orphanet 289539, MedGen C3280492, MONDO:0013692, OMIM 614327.

Submissions (2):

Myriad Genetics, Inc.
Classification: Benign for BAP1-related tumor predisposition syndrome. Last evaluated: 2024-07-16. Review status: criteria provided, single submitter. Criteria: Myriad Autosomal Dominant, Autosomal Recessive and X-Linked Classification Criteria (2023). Collection method: clinical testing. Allele origin: unknown.
Comment: This variant is considered benign. This variant is a silent/synonymous amino acid change and it is not expected to impact splicing.

Ambry Genetics
Classification: Likely benign for Hereditary cancer-predisposing syndrome. Last evaluated: 2024-07-05. Review status: criteria provided, single submitter. Criteria: Ambry Variant Classification Scheme 2023. Collection method: clinical testing. Allele origin: germline.

NM_004656.4(BAP1):c.1392C>G (p.Ser464=)

Gene: BAP1 (BRCA1 associated deubiquitinase 1; minus strand). Cytogenetic location: 3p21.1.
Variant type: single nucleotide variant.
Coding change: c.1392C>G on transcript NM_004656.4 (MANE Select); coding-DNA position 1392, C replaced by G.
Protein change: p.Ser464=; no amino-acid change (serine 464 retained).
Molecular consequence: synonymous variant.
Genome position (GRCh38, 1-based): chr3:52,403,753, G>C on the plus strand (C>G on the coding strand, the complement: BAP1 is on the minus strand). VCF-style: chr3-52403753-G-C. GRCh37 (hg19) VCF-style: chr3-52437769-G-C.
Other names: c.1338C>G, p.Ser446= (NM_001410772.1).
Identifiers: ClinVar variation 3379188 (VCV003379188.2).